The following is an entry in ClinVar:

NM_002691.4(POLD1):c.53_61del (p.Ala18_Gly20del)

Gene: POLD1 (DNA polymerase delta 1, catalytic subunit; plus strand). Cytogenetic location: 19q13.33.
Variant type: Deletion.
Coding change: c.53_61del on transcript NM_002691.4 (MANE Select); coding-DNA positions 53 to 61, 9 bases deleted (CCCGTGGGG; older notation c.53_61delCCCGTGGGG).
Protein change: p.Ala18_Gly20del.
Molecular consequence: inframe deletion. On other transcripts: non-coding transcript variant (1).
Genome position (GRCh38, 1-based): chr19:50,398,904-50,398,912, CCCGTGGGG deleted; deleting any 9 consecutive bases within chr19:50,398,901-50,398,912 gives the same sequence; the c. name uses the placement nearest the transcript's 3' end. VCF-style (leftmost placement, unchanged base first): chr19-50398900-CGGGCCCGTG-C. GRCh37 (hg19) VCF-style: chr19-50902157-CGGGCCCGTG-C.
Other names: c.53_61del, p.Ala18_Gly20del (NM_001256849.1, NM_001308632.1).
Identifiers: ClinVar variation 486074 (VCV000486074.16), dbSNP rs1555789043, ClinGen allele CA633897653.

ClinVar aggregate classification (germline): Uncertain significance. Review status: criteria provided, multiple submitters, no conflicts (2 of 4 stars). 2 submissions from 2 submitters: Uncertain significance (2). Last evaluated 2025-10-13.

Conditions:
Hereditary cancer-predisposing syndrome. Also called: Tumor predisposition; Hereditary Cancer Syndrome; Hereditary neoplastic syndrome; Neoplastic Syndromes, Hereditary. Identifiers: Orphanet 140162, MedGen C0027672, MeSH D009386, MONDO:0015356.
POLD1-related polyposis and colorectal cancer syndrome (CRCS10). Also called: Colorectal cancer 10; COLORECTAL CANCER, SUSCEPTIBILITY TO, ON CHROMOSOME 19q; Colorectal cancer, susceptibility to, 10. Identifiers: Orphanet 220460, MedGen C2675481, MONDO:0012953, OMIM 612591.

Submissions (2):

Labcorp Genetics (formerly Invitae), Labcorp
Classification: Uncertain significance for POLD1-related polyposis and colorectal cancer syndrome. Last evaluated: 2025-10-13. Review status: criteria provided, single submitter. Criteria: Invitae Variant Classification Sherloc (09022015). Collection method: clinical testing. Allele origin: germline.
Comment: This variant, c.53_61del, results in the deletion of 3 amino acid(s) of the POLD1 protein (p.Ala18_Gly20del), but otherwise preserves the integrity of the reading frame. This variant is present in population databases (no rsID available, gnomAD 0.003%). This variant has not been reported in the literature in individuals affected with POLD1-related conditions. ClinVar contains an entry for this variant (Variation ID: 486074). Experimental studies and prediction algorithms are not available or were not evaluated, and the functional significance of this variant is currently unknown. In summary, the available evidence is currently insufficient to determine the role of this variant in disease. Therefore, it has been classified as a Variant of Uncertain Significance.

Ambry Genetics
Classification: Uncertain significance for Hereditary cancer-predisposing syndrome. Last evaluated: 2025-06-17. Review status: criteria provided, single submitter. Criteria: Ambry Variant Classification Scheme 2023. Collection method: clinical testing. Allele origin: germline.
Comment: The c.53_61delCCCGTGGGG variant (also known as p.A18_G20del) is located in coding exon 1 of the POLD1 gene. This variant results from an in-frame CCCGTGGGG deletion at nucleotide positions 53 to 61. This results in the in-frame deletion of 3 amino acids at codons 18 to 20. This amino acid region is well conserved in available vertebrate species. In addition, the in silico prediction for this variant is inconclusive (Choi Y et al. PLoS ONE. 2012; 7(10):e46688). Based on the available evidence, the clinical significance of this variant remains unclear.